The following is an entry in ClinVar:

NM_005802.5(TOPORS):c.1222G>A (p.Val408Ile)

Gene: TOPORS (TOP1 binding arginine/serine rich protein, E3 ubiquitin ligase; minus strand). Cytogenetic location: 9p21.1.
Variant type: single nucleotide variant.
Coding change: c.1222G>A on transcript NM_005802.5 (MANE Select); coding-DNA position 1222, G replaced by A.
Protein change: p.Val408Ile; replaces valine 408 with isoleucine.
Molecular consequence: missense variant.
Genome position (GRCh38, 1-based): chr9:32,543,303, C>T on the plus strand (G>A on the coding strand, the complement: TOPORS is on the minus strand). VCF-style: chr9-32543303-C-T. GRCh37 (hg19) VCF-style: chr9-32543301-C-T.
Other names: c.1027G>A, p.Val343Ile (NM_001195622.2); c.1222G>A (NM_005802.4); short protein forms V343I, V408I.
Identifiers: ClinVar variation 1940532 (VCV001940532.6), dbSNP rs779750604, ClinGen allele CA192359161.
Genomic context (GRCh38, chr9:32,543,303, plus strand): 5'-AGCTTGAGTAAGATGGTCCTGGAGTTTCATCATCCCATGGTGCCTGACTAACAGTGGCTA[C>T]ATTAATATCCAGCTCTTGGGTCTCAGCCTCATCTGGAGATATTGTTATGACTGAAGAATC-3'
Protein context (NP_005793.2, residues 398-418): EAETQELDIN[Val408Ile]ATVSQAPWDD

ClinVar aggregate classification (germline): Uncertain significance. Review status: criteria provided, multiple submitters, no conflicts (2 of 4 stars). 2 submissions from 2 submitters: Uncertain significance (2). Last evaluated 2024-12-03.

Conditions:
Inborn genetic diseases. Identifiers: MedGen C0950123, MeSH D030342.

Allele frequency attached by ClinVar (database versions not stated): gnomAD exomes below 0.00001; gnomAD 0.00001; TOPMed 0.00001.
gnomAD v4.1: 8 of 1,613,932 alleles (0.0005%); highest among the groups gnomAD compares: African/African-American, 0.0027%; no homozygotes.

Submissions (2):

Ambry Genetics
Classification: Uncertain significance for Inborn genetic diseases. Last evaluated: 2024-12-03. Review status: criteria provided, single submitter. Criteria: Ambry Variant Classification Scheme 2023. Collection method: clinical testing. Allele origin: germline.

Labcorp Genetics (formerly Invitae), Labcorp
Classification: Uncertain significance. Last evaluated: 2022-09-19. Review status: criteria provided, single submitter. Criteria: Invitae Variant Classification Sherloc (09022015). Collection method: clinical testing. Allele origin: germline.
Comment: This sequence change replaces valine, which is neutral and non-polar, with isoleucine, which is neutral and non-polar, at codon 408 of the TOPORS protein (p.Val408Ile). This variant has not been reported in the literature in individuals affected with TOPORS-related conditions. In summary, the available evidence is currently insufficient to determine the role of this variant in disease. Therefore, it has been classified as a Variant of Uncertain Significance. Algorithms developed to predict the effect of missense changes on protein structure and function output the following: SIFT: "Tolerated"; PolyPhen-2: "Benign"; Align-GVGD: "Class C0". The isoleucine amino acid residue is found in multiple mammalian species, which suggests that this missense change does not adversely affect protein function. This variant is present in population databases (no rsID available, gnomAD 0.007%).